The following is an entry in ClinVar:

NM_138615.3(DHX30):c.2344C>T (p.Arg782Trp)

Gene: DHX30 (DExH-box helicase 30; plus strand). Cytogenetic location: 3p21.31.
Variant type: single nucleotide variant.
Coding change: c.2344C>T on transcript NM_138615.3 (MANE Select); coding-DNA position 2344, C replaced by T.
Protein change: p.Arg782Trp; replaces arginine 782 with tryptophan.
Molecular consequence: missense variant.
Genome position (GRCh38, 1-based): chr3:47,848,237, C>T. VCF-style: chr3-47848237-C-T. GRCh37 (hg19) VCF-style: chr3-47889727-C-T.
Other names: c.2260C>T, p.Arg754Trp (NM_001330990.2); c.2227C>T, p.Arg743Trp (NM_014966.4); short protein forms R782W, R743W, R754W.
Identifiers: ClinVar variation 375373 (VCV000375373.10), dbSNP rs753242774, ClinGen allele CA16044218.
Genomic context (GRCh38, chr3:47,848,237, plus strand): 5'-CAGGTGTCCTGCCTGGAGACAGTGTGGGTATCAAGAGCCAATGTGATCCAGCGCCGGGGC[C>T]GGGCGGGCCGCTGCCAGTCCGGCTTTGCCTACCACTTGTTCCCTCGAAGCCGGCTGGAGA-3'
Protein context (NP_619520.1, residues 772-792): SRANVIQRRG[Arg782Trp]AGRCQSGFAY

ClinVar aggregate classification (germline): Pathogenic. Review status: criteria provided, multiple submitters, no conflicts (2 of 4 stars). 10 submissions from 10 submitters: Pathogenic (8). 2 of the submissions do not count toward it. Last evaluated 2026-05-21.

Conditions:
Microcephaly. Also called: Microcephaly (disease). Identifiers: MedGen C4551563, MONDO:0001149, HP:0000252.
Intellectual disability. Also called: Intellectual functioning disability; intellectual disabilities; Intellectual developmental disorder. Identifiers: MedGen C3714756, MeSH D008607, MONDO:0001071, HP:0001249.
Generalized hypotonia. Identifiers: MedGen C1858120, HP:0001290.
Short stature. Identifiers: MedGen C0349588, HP:0004322.
Failure to thrive. Also called: Pediatric failure to thrive. Identifiers: MedGen C2315100, HP:0001508.
Global developmental delay (DD). Also called: Cognitive delay. Identifiers: MedGen C0557874, HP:0001263. Disease mechanism: loss of function.
Hirsutism. Identifiers: MedGen C0019572, HP:0001007.
EEG abnormality. Also called: Electroencephalogram (EEG) abnormalities; EEG abnormalities. Identifiers: MedGen C0151611, HP:0002353.
DHX30-related disorder. Also called: DHX30-related condition.
Neurodevelopmental disorder with severe motor impairment and absent language. Also called: NEURODEVELOPMENTAL DISORDER WITH VARIABLE MOTOR AND LANGUAGE IMPAIRMENT. Identifiers: Orphanet 647788, MedGen C4540496, MONDO:0060622, OMIM 617804.

Submissions (10):

Institute of Human Genetics, University of Leipzig Medical Center
Classification: Pathogenic for Neurodevelopmental disorder with severe motor impairment and absent language. Last evaluated: 2026-05-21. Review status: criteria provided, single submitter. Criteria: ACMG Guidelines, 2015. Collection method: clinical testing. Allele origin: unknown. Inheritance: Autosomal dominant inheritance. Affected: yes.
Comment: Criteria applied: PS2,PS4,PM5_STR,PM2,PS3_SUP,PP2,PP3

Dasa
Classification: Pathogenic. Last evaluated: 2025-08-14. Review status: criteria provided, single submitter. Criteria: DASA Assertion Criteria. Collection method: clinical testing. Allele origin: germline.
Comment: NM_138615.3(DHX30):c.2344C>T (p.Arg782Trp) is a missense variant that results in the substitution of arginine with tryptophan. The affected residue or protein region has prior evidence supporting clinical relevance. De novo occurrence has been reported in an individual with related phenotype. Functional evidence supports a deleterious effect on the gene or gene product (PMID: 29100085; PMID: 28327206). This variant has been recurrently observed in individuals with related phenotype (PMID: 29100085; PMID: 28327206). Multiple computational predictions support a deleterious effect on the gene or gene product. The variant is present at low frequency in population datasets. Based on the available data, this variant is classified as pathogenic.

Blueprint Genetics
Classification: Pathogenic for DHX30-related disorders. Last evaluated: 2024-01-08. Review status: criteria provided, single submitter. Criteria: ACMG Guidelines, 2015. Collection method: clinical testing. Allele origin: germline. Affected: yes. Observed: 2 variant alleles.

GeneDx
Classification: Pathogenic. Last evaluated: 2023-01-23. Review status: criteria provided, single submitter. Criteria: GeneDx Variant Classification Process June 2021. Collection method: clinical testing. Allele origin: germline. Affected: yes.
Comment: Published functional studies demonstrate R782W impaired ATPase activity as well as increased the propensity of stress granule formation which lead to a global decrease in protein synthesis (Lessel et al., 2017); In silico analysis supports that this missense variant has a deleterious effect on protein structure/function; Not observed at significant frequency in large population cohorts (gnomAD); This variant is associated with the following publications: (PMID: 28327206, 29100085, 31216405, 34020708)

3billion
Classification: Pathogenic for Neurodevelopmental disorder with severe motor impairment and absent language. Last evaluated: 2021-10-02. Review status: criteria provided, single submitter. Criteria: ACMG Guidelines, 2015. Collection method: clinical testing. Allele origin: unknown. Affected: yes. Observed: 1 heterozygote.
Comment: Same nucleotide change resulting in same amino acid change has been previously reported as de novoo and observed in at least four similarly affected unrelated individuals (3billion dataset, ClinVar ID: VCV000375373.4, PMID: 29100085 and 28327206, PS2 and PS4). It is not observed in the gnomAD v2.1.1 dataset (PM2). The variant was observed as assumed (i.e. paternity and maternity not confirmed) de novoo (3billion dataset, PM6). Missense changes are a common disease-causing mechanism (PP2). In silico tool predictions suggest damaging effect of the variant on gene or gene product (REVEL: :0.959, 3Cnet: 0.889, PP3). Therefore, this variant is classified as pathogenic according to the recommendation of ACMG/AMP guideline.

Victorian Clinical Genetics Services, Murdoch Childrens Research Institute
Classification: Pathogenic for Neurodevelopmental disorder with severe motor impairment and absent language. Last evaluated: 2020-06-11. Review status: criteria provided, single submitter. Criteria: ACMG Guidelines, 2015. Collection method: clinical testing. Allele origin: germline. Inheritance: Autosomal dominant inheritance. Affected: yes.
Comment: Based on the classification scheme VCGS_Germline_v1.1.1, this variant is classified as Pathogenic. Following criteria are met: 0102 - Loss-of-function is a known mechanism of disease for this gene. (N) 0107 - This gene is known to be associated with autosomal dominant disease. (N) 0200 - Variant is predicted to result in a missense amino acid change from arginine to tryptophan (exon 15). (N) 0251 - Variant is heterozygous. (N) 0301 - Variant is absent from gnomAD. (P) 0501 - Missense variant consistently predicted to be damaging by multiple in silico tools or highly conserved with a major amino acid change. (P) 0602 - Variant is located in a hotspot region or cluster of pathogenic variants, (helicase nucleic acid-binding motif VI; PMID: 29100085).(P) 0801 - Strong previous evidence of pathogenicity in unrelated individuals. This variant has been reported as pathogenic and de novo in multiple patients with a neurodevelopmental disorder (ClinVar, PMID: 28327206, PMID: 29100085). (P) 1002 - Moderate functional evidence supporting abnormal protein function. Transfected HEK293 cells demonstrate that this mutation results in significantly reduced ATPase activity and protein translation (PMID: 29100085). (P) Legend: (P) - Pathogenic, (N) - Neutral, (B) - Benign

Mendelics
Classification: Pathogenic for Neurodevelopmental disorder with severe motor impairment and absent language. Last evaluated: 2019-05-28. Review status: criteria provided, single submitter. Criteria: Mendelics Assertion Criteria 2017. Collection method: clinical testing. Allele origin: unknown.

Baylor Genetics
Classification: Pathogenic for Neurodevelopmental disorder with severe motor impairment and absent language. Last evaluated: 2017-12-31. Review status: criteria provided, single submitter. Criteria: ACMG Guidelines, 2015. Collection method: clinical testing. Allele origin: germline. Affected: yes.

OMIM
Classification: Pathogenic for NEURODEVELOPMENTAL DISORDER WITH VARIABLE MOTOR AND SPEECH IMPAIRMENT. Last evaluated: 2023-02-27. Review status: no assertion criteria provided. Collection method: literature only. Allele origin: germline. Not counted in ClinVar's aggregate classification.

Lupski Lab, Baylor-Hopkins CMG, Baylor College of Medicine
Classification: Pathogenic for Global developmental delay; Intellectual disability; Generalized hypotonia; EEG abnormality; Microcephaly; Short stature; Failure to thrive; Hirsutism. Review status: no assertion criteria provided. Collection method: research. Allele origin: de novo. Inheritance: Autosomal dominant inheritance. Affected: yes. Not counted in ClinVar's aggregate classification.
Comment: This variant was identified as de novo in 2 unrelated individuals with intellectual disability, microcephaly, and short stature.

Literature cited by the submitters: PubMed 29100085 (cited by 4 submitters); PubMed 28327206 (cited by 5 submitters).